The following is an entry in ClinVar:

ClinVar aggregate classification (germline): Uncertain significance (1 of 4 stars; one submission).

Conditions:
Inborn genetic diseases. Identifiers: MedGen C0950123, MeSH D030342.

Allele frequency attached by ClinVar (database versions not stated): gnomAD 0.00001.
gnomAD v4.1: 1 of 1,612,440 alleles (0.000062%); highest among the groups gnomAD compares: Non-Finnish European, 0.000085%; no homozygotes.

Submission:

Ambry Genetics
Classification: Uncertain significance for Inborn genetic diseases. Last evaluated: 2021-10-04. Review status: criteria provided, single submitter. Criteria: Ambry Variant Classification Scheme 2023. Collection method: clinical testing. Allele origin: germline.
Comment: The p.P2299S variant (also known as c.6895C>T), located in coding exon 47 of the LRRK2 gene, results from a C to T substitution at nucleotide position 6895. The proline at codon 2299 is replaced by serine, an amino acid with similar properties. This amino acid position is conserved. In addition, the in silico prediction for this alteration is inconclusive. Since supporting evidence is limited at this time, the clinical significance of this alteration remains unclear.

NM_198578.4(LRRK2):c.6895C>T (p.Pro2299Ser)

Gene: LRRK2 (leucine rich repeat kinase 2; plus strand). Cytogenetic location: 12q12.
Variant type: single nucleotide variant.
Coding change: c.6895C>T on transcript NM_198578.4 (MANE Select); coding-DNA position 6895, C replaced by T.
Protein change: p.Pro2299Ser; replaces proline 2299 with serine.
Molecular consequence: missense variant.
Genome position (GRCh38, 1-based): chr12:40,359,311, C>T. VCF-style: chr12-40359311-C-T. GRCh37 (hg19) VCF-style: chr12-40753113-C-T.
Other names: short protein forms P2299S.
Identifiers: ClinVar variation 1756011 (VCV001756011.2), dbSNP rs1946634309, ClinGen allele CA384411519.